The following is an entry in ClinVar:

ClinVar aggregate classification (germline): Likely pathogenic (1 of 4 stars; one submission).

Conditions:
CUL3-related disorder. Also called: CUL3-related condition; CUL3-related disorders.

Submission:

PreventionGenetics, part of Exact Sciences
Classification: Likely pathogenic for CUL3-related condition. Last evaluated: 2023-02-15. Review status: criteria provided, single submitter. Criteria: ACMG Guidelines, 2015. Collection method: clinical testing. Allele origin: germline.
Comment: The CUL3 c.1349C>T variant is predicted to result in the amino acid substitution p.Ser450Phe. To our knowledge, this variant has not been reported in the literature or in a large population database, indicating this variant is rare. However, de novo variants in CUL3 are associated with neurodevelopmental phenotypes (OMIM: 619239; Nakashima et al. 2020. PubMed ID: 32341456). Taken together, this variant is interpreted as likely pathogenic.

NM_003590.5(CUL3):c.1349C>T (p.Ser450Phe)

Gene: CUL3 (cullin 3; minus strand). Cytogenetic location: 2q36.2.
Variant type: single nucleotide variant.
Coding change: c.1349C>T on transcript NM_003590.5 (MANE Select); coding-DNA position 1349, C replaced by T.
Protein change: p.Ser450Phe; replaces serine 450 with phenylalanine.
Molecular consequence: missense variant.
Genome position (GRCh38, 1-based): chr2:224,503,680, G>A on the plus strand (C>T on the coding strand, the complement: CUL3 is on the minus strand). VCF-style: chr2-224503680-G-A. GRCh37 (hg19) VCF-style: chr2-225368397-G-A.
Other names: c.1151C>T, p.Ser384Phe (NM_001257197.2); c.1367C>T, p.Ser456Phe (NM_001257198.2); short protein forms S384F, S450F, S456F.
Identifiers: ClinVar variation 2636475 (VCV002636475.1), dbSNP rs2106196630, ClinGen allele CA350827009.